The following is an entry in ClinVar:

NM_005883.3(APC2):c.530C>T (p.Ser177Leu)

Genes: APC2 (APC regulator of Wnt signaling pathway 2; plus strand), LOC130062953 (ATAC-STARR-seq lymphoblastoid silent region 9715; plus strand). Cytogenetic location: 19p13.3.
Variant type: single nucleotide variant.
Coding change: c.530C>T on transcript NM_005883.3 (MANE Select); coding-DNA position 530, C replaced by T.
Protein change: p.Ser177Leu; replaces serine 177 with leucine.
Molecular consequence: missense variant.
Genome position (GRCh38, 1-based): chr19:1,455,391, C>T. VCF-style: chr19-1455391-C-T. GRCh37 (hg19) VCF-style: chr19-1455390-C-T.
Other names: c.527C>T, p.Ser176Leu (NM_001351273.1); c.530C>T (NM_005883.2); short protein forms S176L, S177L.
Identifiers: ClinVar variation 1977215 (VCV001977215.6), dbSNP rs768678791, ClinGen allele CA9044786.

ClinVar aggregate classification (germline): Uncertain significance. Review status: criteria provided, multiple submitters, no conflicts (2 of 4 stars). 2 submissions from 2 submitters: Uncertain significance (2). Last evaluated 2025-05-05.

Conditions:
Inborn genetic diseases. Identifiers: MedGen C0950123, MeSH D030342.

Allele frequency attached by ClinVar (database versions not stated): ExAC 0.00001.

Submissions (2):

Ambry Genetics
Classification: Uncertain significance for Inborn genetic diseases. Last evaluated: 2025-05-05. Review status: criteria provided, single submitter. Criteria: Ambry Variant Classification Scheme 2023. Collection method: clinical testing. Allele origin: germline.

Labcorp Genetics (formerly Invitae), Labcorp
Classification: Uncertain significance. Last evaluated: 2024-02-19. Review status: criteria provided, single submitter. Criteria: Invitae Variant Classification Sherloc (09022015). Collection method: clinical testing. Allele origin: germline.
Comment: This sequence change replaces serine, which is neutral and polar, with leucine, which is neutral and non-polar, at codon 177 of the APC2 protein (p.Ser177Leu). The frequency data for this variant in the population databases is considered unreliable, as metrics indicate poor data quality at this position in the gnomAD database. This variant has not been reported in the literature in individuals affected with APC2-related conditions. ClinVar contains an entry for this variant (Variation ID: 1977215). An algorithm developed to predict the effect of missense changes on protein structure and function (PolyPhen-2) suggests that this variant is likely to be tolerated. In summary, the available evidence is currently insufficient to determine the role of this variant in disease. Therefore, it has been classified as a Variant of Uncertain Significance.